The following is an entry in ClinVar:

ClinVar aggregate classification (germline): Uncertain significance (1 of 4 stars; one submission).

Conditions:
Deafness-lymphedema-leukemia syndrome. Also called: Lymphedema, primary, with myelodysplasia; Emberger syndrome. Identifiers: Orphanet 3226, MedGen C3279664, MONDO:0013540, OMIM 614038.
Monocytopenia with susceptibility to infections. Also called: IMMUNODEFICIENCY 21; GATA2 DEFICIENCY; MONOCYTOPENIA AND MYCOBACTERIAL INFECTION SYNDROME; MONOCYTOPENIA WITH SUSCEPTIBILITY TO MYCOBACTERIAL, FUNGAL, AND PAPILLOMAVIRUS INFECTIONS AND MYELODYSPLASIA; COMBINED IMMUNODEFICIENCY WITH SUSCEPTIBILITY TO MYCOBACTERIAL, VIRAL, AND FUNGAL INFECTIONS; Dendritic cell, monocyte, B lymphocyte, and natural killer lymphocyte deficiency. Identifiers: Orphanet 228423, MedGen C3280030, MONDO:0013607, OMIM 614172.

Allele frequency attached by ClinVar (database versions not stated): gnomAD exomes below 0.00001; ExAC 0.00001.
gnomAD v4.1: 1 of 1,614,224 alleles (0.000062%); highest among the groups gnomAD compares: Admixed American, 0.0017%; no homozygotes.

Submission:

Labcorp Genetics (formerly Invitae), Labcorp
Classification: Uncertain significance for Monocytopenia with susceptibility to infections; Deafness-lymphedema-leukemia syndrome. Last evaluated: 2024-05-31. Review status: criteria provided, single submitter. Criteria: Invitae Variant Classification Sherloc (09022015). Collection method: clinical testing. Allele origin: germline.
Comment: This sequence change replaces alanine, which is neutral and non-polar, with threonine, which is neutral and polar, at codon 432 of the GATA2 protein (p.Ala432Thr). This variant is present in population databases (rs761447305, gnomAD 0.003%). This variant has not been reported in the literature in individuals affected with GATA2-related conditions. ClinVar contains an entry for this variant (Variation ID: 2095089). Advanced modeling of protein sequence and biophysical properties (such as structural, functional, and spatial information, amino acid conservation, physicochemical variation, residue mobility, and thermodynamic stability) performed at Invitae indicates that this missense variant is not expected to disrupt GATA2 protein function with a negative predictive value of 95%. In summary, the available evidence is currently insufficient to determine the role of this variant in disease. Therefore, it has been classified as a Variant of Uncertain Significance.

NM_032638.5(GATA2):c.1294G>A (p.Ala432Thr)

Gene: GATA2 (GATA binding protein 2; minus strand). Cytogenetic location: 3q21.3.
Variant type: single nucleotide variant.
Coding change: c.1294G>A on transcript NM_032638.5 (MANE Select); coding-DNA position 1294, G replaced by A.
Protein change: p.Ala432Thr; replaces alanine 432 with threonine.
Molecular consequence: missense variant.
Genome position (GRCh38, 1-based): chr3:128,481,168, C>T on the plus strand (G>A on the coding strand, the complement: GATA2 is on the minus strand). VCF-style: chr3-128481168-C-T. GRCh37 (hg19) VCF-style: chr3-128200011-C-T.
Other names: c.1294G>A, p.Ala432Thr (NM_001145661.2); c.1252G>A, p.Ala418Thr (NM_001145662.1); short protein forms A432T, A418T.
Identifiers: ClinVar variation 2095089 (VCV002095089.4), dbSNP rs761447305, ClinGen allele CA2599805.
Genomic context (GRCh38, chr3:128,481,168, plus strand): 5'-TGTGTCCGGAGTGGCTGAAGGGCGGGAGGTGGCCCACAGGTGCCATGTGTCCAGCCAGGG[C>T]AGCTGCACTGAAGGGGGATGACTTCTCCTGCATGCACTTTGACAGCTCCTCGAAGCACTC-3'
Protein context (NP_116027.2, residues 422-442): QEKSSPFSAA[Ala432Thr]LAGHMAPVGH